The following is an entry in ClinVar:

ClinVar aggregate classification (germline): Uncertain significance. Review status: criteria provided, multiple submitters, no conflicts (2 of 4 stars). 3 submissions from 3 submitters: Uncertain significance (3). Last evaluated 2025-08-11.

Conditions:
Inborn genetic diseases. Identifiers: MedGen C0950123, MeSH D030342.

Allele frequency attached by ClinVar (database versions not stated): gnomAD 0.00002; TOPMed 0.00002; ExAC 0.00003; gnomAD exomes 0.00004.
gnomAD v4.1: 25 of 1,613,682 alleles (0.0015%); highest among the groups gnomAD compares: Admixed American, 0.015%; no homozygotes.

Submissions (3):

Ambry Genetics
Classification: Uncertain significance for Inborn genetic diseases. Last evaluated: 2025-08-11. Review status: criteria provided, single submitter. Criteria: Ambry Variant Classification Scheme 2023. Collection method: clinical testing. Allele origin: germline.

Labcorp Genetics (formerly Invitae), Labcorp
Classification: Uncertain significance. Last evaluated: 2022-05-27. Review status: criteria provided, single submitter. Criteria: Invitae Variant Classification Sherloc (09022015). Collection method: clinical testing. Allele origin: germline.
Comment: This sequence change replaces isoleucine, which is neutral and non-polar, with methionine, which is neutral and non-polar, at codon 1583 of the NALCN protein (p.Ile1583Met). This variant is present in population databases (rs200606017, gnomAD 0.02%). This variant has not been reported in the literature in individuals affected with NALCN-related conditions. ClinVar contains an entry for this variant (Variation ID: 1220262). Advanced modeling of protein sequence and biophysical properties (such as structural, functional, and spatial information, amino acid conservation, physicochemical variation, residue mobility, and thermodynamic stability) performed at Invitae indicates that this missense variant is not expected to disrupt NALCN protein function. In summary, the available evidence is currently insufficient to determine the role of this variant in disease. Therefore, it has been classified as a Variant of Uncertain Significance.

GeneDx
Classification: Uncertain significance. Last evaluated: 2021-11-23. Review status: criteria provided, single submitter. Criteria: GeneDx Variant Classification Process June 2021. Collection method: clinical testing. Allele origin: germline. Affected: yes.
Comment: In silico analysis, which includes protein predictors and evolutionary conservation, supports that this variant does not alter protein structure/function; Has not been previously published as pathogenic or benign to our knowledge

NM_052867.4(NALCN):c.4749C>G (p.Ile1583Met)

Gene: NALCN (sodium leak channel, non-selective; minus strand). Cytogenetic location: 13q32.3.
Variant type: single nucleotide variant.
Coding change: c.4749C>G on transcript NM_052867.4 (MANE Select); coding-DNA position 4749, C replaced by G.
Protein change: p.Ile1583Met; replaces isoleucine 1583 with methionine.
Molecular consequence: missense variant.
Genome position (GRCh38, 1-based): chr13:101,061,974, G>C on the plus strand (C>G on the coding strand, the complement: NALCN is on the minus strand). VCF-style: chr13-101061974-G-C. GRCh37 (hg19) VCF-style: chr13-101714326-G-C.
Other names: c.4836C>G, p.Ile1612Met (NM_001350748.2); c.4749C>G, p.Ile1583Met (NM_001350749.2); c.4662C>G, p.Ile1554Met (NM_001350750.2, NM_001350751.2); short protein forms I1554M, I1583M, I1612M.
Identifiers: ClinVar variation 1220262 (VCV001220262.8), dbSNP rs200606017, ClinGen allele CA7035043.
Genomic context (GRCh38, chr13:101,061,974, plus strand): 5'-GGGGCAGGGCGGGGCGGGGCGGGGACCCAACCTGCATGTGTGCAGTTCACTCACAGCTCT[G>C]ATGCGCTTCAGGCACTTCTTGAGCCACATGCGGATGGTCTGCTTGGCCACCTCCTCCTCT-3'
Protein context (NP_443099.1, residues 1573-1593): RMWLKKCLKR[Ile1583Met]RAKQQQSCSI